The following is an entry in ClinVar:

NM_006648.4(WNK2):c.1325A>G (p.Tyr442Cys)

Gene: WNK2 (WNK lysine deficient protein kinase 2; plus strand). Cytogenetic location: 9q22.31.
Variant type: single nucleotide variant.
Coding change: c.1325A>G on transcript NM_006648.4 (MANE Select); coding-DNA position 1325, A replaced by G.
Protein change: p.Tyr442Cys; replaces tyrosine 442 with cysteine.
Molecular consequence: missense variant.
Genome position (GRCh38, 1-based): chr9:93,239,759, A>G. VCF-style: chr9-93239759-A-G. GRCh37 (hg19) VCF-style: chr9-96002041-A-G.
Other names: c.1325A>G, p.Tyr442Cys (NM_001282394.3); short protein forms Y442C.
Identifiers: ClinVar variation 5031926 (VCV005031926.1).

ClinVar aggregate classification (germline): Uncertain significance (1 of 4 stars; one submission).

Submission:

Ambry Genetics
Classification: Uncertain significance. Last evaluated: 2026-08-11. Review status: criteria provided, single submitter. Criteria: Ambry Variant Classification Scheme 2023. Collection method: clinical testing. Allele origin: germline.
Comment: The p.Y442C variant (also known as c.1325A>G), located in coding exon 6 of the WNK2 gene, results from an A to G substitution at nucleotide position 1325. The tyrosine at codon 442 is replaced by cysteine, an amino acid with highly dissimilar properties. This amino acid position is conserved. In addition, the in silico prediction for this alteration is inconclusive. Based on the available evidence, the clinical significance of this variant remains unclear.